The following is an entry in ClinVar:

NM_001267550.2(TTN):c.3089T>C (p.Leu1030Pro)

Gene: TTN (titin; minus strand). Cytogenetic location: 2q31.2.
Variant type: single nucleotide variant.
Coding change: c.3089T>C on transcript NM_001267550.2 (MANE Select); coding-DNA position 3089, T replaced by C.
Protein change: p.Leu1030Pro; replaces leucine 1030 with proline.
Molecular consequence: missense variant.
Genome position (GRCh38, 1-based): chr2:178,782,817, A>G on the plus strand (T>C on the coding strand, the complement: TTN is on the minus strand). VCF-style: chr2-178782817-A-G. GRCh37 (hg19) VCF-style: chr2-179647544-A-G.
Other names: c.3089T>C, p.Leu1030Pro (NM_133378.4, NM_001256850.1, NM_133379.5); c.2951T>C, p.Leu984Pro (NM_003319.4, NM_133432.3, NM_133437.4); short protein forms L1030P, L984P.
Identifiers: ClinVar variation 179350 (VCV000179350.5), dbSNP rs727504809, ClinGen allele CA184248.

ClinVar aggregate classification (germline): Uncertain significance (1 of 4 stars; one submission).

Submission:

Laboratory for Molecular Medicine, Mass General Brigham Personalized Medicine
Classification: Uncertain significance. Last evaluated: 2013-10-04. Review status: criteria provided, single submitter. Criteria: LMM Criteria. Collection method: clinical testing. Allele origin: germline. Observed: 1 variant allele.
Comment: The Leu1030Pro variant in TTN has not been previously reported in individuals wi th cardiomyopathy or in large population studies. Computational analyses (bioche mical amino acid properties, conservation, AlignGVGD, PolyPhen2, and SIFT) sugge st that the Leu1030Pro variant may impact the protein, though this information i s not predictive enough to determine pathogenicity. Additional information is ne eded to fully assess the clinical significance of this variant.